The following is an entry in ClinVar:

ClinVar aggregate classification (germline): Uncertain significance (1 of 4 stars; one submission).

Allele frequency attached by ClinVar (database versions not stated): gnomAD exomes 0.00001.
gnomAD v4.1: 15 of 1,613,314 alleles (0.00093%); highest among the groups gnomAD compares: Non-Finnish European, 0.0013%; no homozygotes.

Submission:

Labcorp Genetics (formerly Invitae), Labcorp
Classification: Uncertain significance. Last evaluated: 2020-10-21. Review status: criteria provided, single submitter. Criteria: Invitae Variant Classification Sherloc (09022015). Collection method: clinical testing. Allele origin: germline.
Comment: In summary, the available evidence is currently insufficient to determine the role of this variant in disease. Therefore, it has been classified as a Variant of Uncertain Significance. Algorithms developed to predict the effect of missense changes on protein structure and function are either unavailable or do not agree on the potential impact of this missense change (SIFT: "Deleterious"; PolyPhen-2: "Probably Damaging"; Align-GVGD: "Class C0"). This variant has been observed in individual(s) with retinitis pigmentosa (PMID: 28224992). This variant is not present in population databases (ExAC no frequency). This sequence change replaces arginine with glycine at codon 404 of the PDE6B protein (p.Arg404Gly). The arginine residue is highly conserved and there is a moderate physicochemical difference between arginine and glycine.

Literature cited by the submitters: PubMed 28224992.

NM_000283.4(PDE6B):c.1210A>G (p.Arg404Gly)

Gene: PDE6B (phosphodiesterase 6B; plus strand). Cytogenetic location: 4p16.3.
Variant type: single nucleotide variant.
Coding change: c.1210A>G on transcript NM_000283.4 (MANE Select); coding-DNA position 1210, A replaced by G.
Protein change: p.Arg404Gly; replaces arginine 404 with glycine.
Molecular consequence: missense variant.
Genome position (GRCh38, 1-based): chr4:656,976, A>G. VCF-style: chr4-656976-A-G. GRCh37 (hg19) VCF-style: chr4-650765-A-G.
Other names: c.1210A>G, p.Arg404Gly (NM_001145291.2); c.373A>G, p.Arg125Gly (NM_001145292.2, NM_001350154.3, NM_001379246.1 and 1 more transcripts); c.55A>G, p.Arg19Gly (NM_001350155.3); short protein forms R125G, R19G, R404G.
Identifiers: ClinVar variation 1015995 (VCV001015995.8), dbSNP rs1736342067, ClinGen allele CA355913359.